The following is an entry in ClinVar:

NM_001267550.2(TTN):c.40559T>A (p.Val13520Asp)

Gene: TTN (titin; minus strand). Cytogenetic location: 2q31.2.
Variant type: single nucleotide variant.
Coding change: c.40559T>A on transcript NM_001267550.2 (MANE Select); coding-DNA position 40559, T replaced by A.
Protein change: p.Val13520Asp; replaces valine 13520 with aspartic acid.
Molecular consequence: missense variant.
Genome position (GRCh38, 1-based): chr2:178,641,315, A>T on the plus strand (T>A on the coding strand, the complement: TTN is on the minus strand). VCF-style: chr2-178641315-A-T. GRCh37 (hg19) VCF-style: chr2-179506042-A-T.
Other names: c.35636T>A, p.Val11879Asp (NM_001256850.1); c.13364T>A, p.Val4455Asp (NM_003319.4); c.32855T>A, p.Val10952Asp (NM_133378.4); c.13739T>A, p.Val4580Asp (NM_133432.3); c.13940T>A, p.Val4647Asp (NM_133437.4); short protein forms V10952D, V11879D, V13520D, V4455D, V4580D, V4647D.
Identifiers: ClinVar variation 3895100 (VCV003895100.1).
Genomic context (GRCh38, chr2:178,641,315, plus strand): 5'-ACTTTTTCTAGTTTTTTAGGTTCTACTTTAGGTTCTTCTTCTTCAGGTCTTTTTCTTAGA[A>T]CTTTAAAGACAAAAAGGTTTATATGTAAACCAAGACAAACTAATGAAGATGTTGAATAAG-3'
Protein context (NP_001254479.2, residues 13510-13530): EPKEEVVLKS[Val13520Asp]LRKRPEEEEP

ClinVar aggregate classification (germline): Uncertain significance (1 of 4 stars; one submission).

Conditions:
Cardiovascular phenotype. Identifiers: MedGen CN230736.

gnomAD v4.1: 8 of 1,467,768 alleles (0.00055%); highest among the groups gnomAD compares: South Asian, 0.0013%; no homozygotes.

Submission:

Molecular Diagnostic Laboratory for Inherited Cardiovascular Disease, Montreal Heart Institute
Classification: Uncertain significance for Cardiovascular phenotype. Last evaluated: 2025-04-09. Review status: criteria provided, single submitter. Criteria: ACMG Guidelines, 2015. Collection method: clinical testing. Allele origin: germline. Affected: yes.
Comment: PM2